The following is an entry in ClinVar:

ClinVar aggregate classification (germline): Likely benign (1 of 4 stars; one submission).

Allele frequency attached by ClinVar (database versions not stated): 1000 Genomes Project 0.00100; 1000 Genomes Project 30x 0.00125.
gnomAD v4.1: 843 of 1,614,226 alleles (0.052%); highest among the groups gnomAD compares: South Asian, 0.8%; 12 homozygotes.

Submission:

CeGaT Center for Human Genetics Tuebingen
Classification: Likely benign. Last evaluated: 2022-12-01. Review status: criteria provided, single submitter. Criteria: CeGaT Center For Human Genetics Tuebingen Variant Classification Criteria Version 2. Collection method: clinical testing. Allele origin: germline. Affected: yes. Observed: 1 variant allele.
Comment: PNLDC1: BP4, BS2

NM_001271862.2(PNLDC1):c.77-33C>G

Gene: PNLDC1 (PARN like ribonuclease domain containing exonuclease 1; plus strand). Cytogenetic location: 6q25.3.
Variant type: single nucleotide variant.
Coding change: c.77-33C>G on transcript NM_001271862.2 (MANE Select); 33 bases into the intron before coding-DNA position 77, C replaced by G.
Molecular consequence: intron variant. On other transcripts: missense variant (1).
Genome position (GRCh38, 1-based): chr6:159,800,739, C>G. VCF-style: chr6-159800739-C-G. GRCh37 (hg19) VCF-style: chr6-160221771-C-G.
Other names: c.11C>G, p.Thr4Ser (NM_173516.3); short protein forms T4S.
Identifiers: ClinVar variation 1879677 (VCV001879677.29), dbSNP rs377171718, ClinGen allele CA4080208.
Genomic context (GRCh38, chr6:159,800,739, plus strand): 5'-GCGCGGGTGCCTTGGCCGCCTGCAGATCTACAGTGTGAGGAGTGCTGGCGATGTTCTGCA[C>G]CCGAGGACTGCTATTTTTTGCCTTCCTGGCAGGTCTGGACATAGAGTTCACGGGCCTTCG-3'